The following is an entry in ClinVar:

NM_000540.3(RYR1):c.7683C>T (p.Leu2561=)

Gene: RYR1 (ryanodine receptor 1; plus strand). Cytogenetic location: 19q13.2.
Variant type: single nucleotide variant.
Coding change: c.7683C>T on transcript NM_000540.3 (MANE Select); coding-DNA position 7683, C replaced by T.
Protein change: p.Leu2561=; no amino-acid change (leucine 2561 retained).
Molecular consequence: synonymous variant.
Genome position (GRCh38, 1-based): chr19:38,502,575, C>T. VCF-style: chr19-38502575-C-T. GRCh37 (hg19) VCF-style: chr19-38993215-C-T.
Other names: c.7683C>T, p.Leu2561= (NM_001042723.2).
Identifiers: ClinVar variation 699111 (VCV000699111.13), dbSNP rs144196095, ClinGen allele CA082535.

ClinVar aggregate classification (germline): Likely benign. Review status: criteria provided, multiple submitters, no conflicts (2 of 4 stars). 4 submissions from 4 submitters: Likely benign (4). Last evaluated 2025-02-21.

Conditions:
Malignant hyperthermia, susceptibility to, 1 (MHS1). Also called: RYR1-Related Malignant Hyperthermia Susceptibility; Anesthesia related hyperthermia; Malignant hyperpyrexia; Fulminating hyperpyrexia; Pharmacogenic myopathy; Malignant hyperthermia suceptibility 1. Identifiers: Orphanet 423, MedGen C2930980, MONDO:0007783, OMIM 145600.
RYR1-related disorder. Also called: RYR1-related condition; RYR1-related disorders. Identifiers: MedGen CN239331.

Allele frequency attached by ClinVar (database versions not stated): TOPMed 0.00002; ExAC 0.00003; gnomAD exomes 0.00003 and 0.00006; ESP Exome Variant Server 0.00015.
gnomAD v4.1: 94 of 1,612,340 alleles (0.0058%); highest among the groups gnomAD compares: Non-Finnish European, 0.0068%; no homozygotes.

Submissions (4):

PreventionGenetics, part of Exact Sciences
Classification: Likely benign for RYR1-related condition. Last evaluated: 2025-02-21. Review status: criteria provided, single submitter. Criteria: ACMG Guidelines, 2015. Collection method: clinical testing. Allele origin: germline.
Comment: This variant is classified as likely benign based on ACMG/AMP sequence variant interpretation guidelines (Richards et al. 2015 PMID: 25741868, with internal and published modifications).

Labcorp Genetics (formerly Invitae), Labcorp
Classification: Likely benign for RYR1-related disorder. Last evaluated: 2025-01-15. Review status: criteria provided, single submitter. Criteria: Invitae Variant Classification Sherloc (09022015). Collection method: clinical testing. Allele origin: germline.

Color Diagnostics, LLC DBA Color Health
Classification: Likely benign for Malignant hyperthermia, susceptibility to, 1. Last evaluated: 2022-10-18. Review status: criteria provided, single submitter. Criteria: ACMG Guidelines, 2015. Collection method: clinical testing. Allele origin: germline.

Blueprint Genetics
Classification: Likely benign. Last evaluated: 2020-03-19. Review status: criteria provided, single submitter. Criteria: ACMG Guidelines, 2015. Collection method: clinical testing. Allele origin: germline.